The following is an entry in ClinVar:

NM_001042492.3(NF1):c.1393-590A>G

Gene: NF1 (neurofibromin 1; plus strand). Cytogenetic location: 17q11.2.
Variant type: single nucleotide variant.
Coding change: c.1393-590A>G on transcript NM_001042492.3 (MANE Select); 590 bases into the intron before coding-DNA position 1393, A replaced by G.
Molecular consequence: intron variant.
Genome position (GRCh38, 1-based): chr17:31,213,861, A>G. VCF-style: chr17-31213861-A-G. GRCh37 (hg19) VCF-style: chr17-29540879-A-G.
Other names: c.1393-590A>G (NM_000267.4, NM_001128147.3).
Identifiers: ClinVar variation 3032559 (VCV003032559.2), dbSNP rs2544827502, ClinGen allele CA2740095315.

ClinVar aggregate classification (germline): Likely benign (0 of 4 stars; one submission).

Conditions:
NF1-related disorder. Also called: NF1-related condition. Identifiers: MedGen CN379171.

Submission:

PreventionGenetics, part of Exact Sciences
Classification: Likely benign for NF1-related condition. Last evaluated: 2020-09-23. Review status: no assertion criteria provided. Collection method: clinical testing. Allele origin: germline.
Comment: This variant is classified as likely benign based on ACMG/AMP sequence variant interpretation guidelines (Richards et al. 2015 PMID: 25741868, with internal and published modifications).